The following is an entry in ClinVar:

ClinVar aggregate classification (germline): Uncertain significance. Review status: criteria provided, multiple submitters, no conflicts (2 of 4 stars). 2 submissions from 2 submitters: Uncertain significance (2). Last evaluated 2023-07-07.

Allele frequency attached by ClinVar (database versions not stated): gnomAD exomes 0.00001 and 0.00002; TOPMed 0.00002; gnomAD 0.00003 and 0.00004.
gnomAD v4.1: 33 of 1,613,512 alleles (0.002%); highest among the groups gnomAD compares: Non-Finnish European, 0.0027%; no homozygotes.

Submissions (2):

Labcorp Genetics (formerly Invitae), Labcorp
Classification: Uncertain significance. Last evaluated: 2023-07-07. Review status: criteria provided, single submitter. Criteria: Invitae Variant Classification Sherloc (09022015). Collection method: clinical testing. Allele origin: germline.
Comment: This variant is present in population databases (rs529204186, gnomAD 0.003%). This sequence change replaces asparagine, which is neutral and polar, with serine, which is neutral and polar, at codon 447 of the ATF6 protein (p.Asn447Ser). This variant has not been reported in the literature in individuals affected with ATF6-related conditions. ClinVar contains an entry for this variant (Variation ID: 1504510). Advanced modeling of protein sequence and biophysical properties (such as structural, functional, and spatial information, amino acid conservation, physicochemical variation, residue mobility, and thermodynamic stability) performed at Invitae indicates that this missense variant is not expected to disrupt ATF6 protein function. In summary, the available evidence is currently insufficient to determine the role of this variant in disease. Therefore, it has been classified as a Variant of Uncertain Significance.

Blueprint Genetics
Classification: Uncertain significance. Last evaluated: 2019-11-16. Review status: criteria provided, single submitter. Criteria: ACMG Guidelines, 2015. Collection method: clinical testing. Allele origin: germline.

NM_007348.4(ATF6):c.1340A>G (p.Asn447Ser)

Gene: ATF6 (activating transcription factor 6; plus strand). Cytogenetic location: 1q23.3.
Variant type: single nucleotide variant.
Coding change: c.1340A>G on transcript NM_007348.4 (MANE Select); coding-DNA position 1340, A replaced by G.
Protein change: p.Asn447Ser; replaces asparagine 447 with serine.
Molecular consequence: missense variant.
Genome position (GRCh38, 1-based): chr1:161,851,742, A>G. VCF-style: chr1-161851742-A-G. GRCh37 (hg19) VCF-style: chr1-161821532-A-G.
Other names: short protein forms N447S.
Identifiers: ClinVar variation 1504510 (VCV001504510.8), dbSNP rs529204186, ClinGen allele CA31724661.
Genomic context (GRCh38, chr1:161,851,742, plus strand): 5'-TAAGATACAAGGAAACAAATTTTGTGCATCCATGTTTCAGATATGATCATTCTGTTTCAA[A>G]TGACAAAGCCCTGATGGTGCTAACTGAAGAACCATTGCTTTACATTCCTCCACCTCCTTG-3'
Protein context (NP_031374.2, residues 437-457): NSYRYDHSVS[Asn447Ser]DKALMVLTEE